The following is an entry in ClinVar:

ClinVar aggregate classification (germline): Benign. Review status: criteria provided, multiple submitters, no conflicts (2 of 4 stars). 2 submissions from 2 submitters: Benign (2). Last evaluated 2018-06-14.

Allele frequency attached by ClinVar (database versions not stated): gnomAD 0.11332 and 0.11831; TOPMed 0.12643; 1000 Genomes Project 0.14577; 1000 Genomes Project 30x 0.15037.
gnomAD v4.1: 17,123 of 152,102 alleles (11%); highest among the groups gnomAD compares: African/African-American, 33%; 2,291 homozygotes.

Submissions (2):

GeneDx
Classification: Benign. Last evaluated: 2018-06-14. Review status: criteria provided, single submitter. Criteria: GeneDx Variant Classification (06012015). Collection method: clinical testing. Allele origin: germline. Affected: yes.
Comment: This variant is considered likely benign or benign based on one or more of the following criteria: it is a conservative change, it occurs at a poorly conserved position in the protein, it is predicted to be benign by multiple in silico algorithms, and/or has population frequency not consistent with disease.

Breakthrough Genomics
Classification: Benign. Review status: criteria provided, single submitter. Criteria: ACMG Guidelines, 2015. Collection method: not provided. Allele origin: germline. Inheritance: Autosomal recessive inheritance. Affected: yes.

NM_000090.4(COL3A1):c.690+174T>C

Gene: COL3A1 (collagen type III alpha 1 chain; plus strand). Cytogenetic location: 2q32.2.
Variant type: single nucleotide variant.
Coding change: c.690+174T>C on transcript NM_000090.4 (MANE Select); 174 bases into the intron after coding-DNA position 690, T replaced by C.
Molecular consequence: intron variant.
Genome position (GRCh38, 1-based): chr2:188,989,623, T>C. VCF-style: chr2-188989623-T-C. GRCh37 (hg19) VCF-style: chr2-189854349-T-C.
Identifiers: ClinVar variation 675245 (VCV000675245.2), dbSNP rs58220378, ClinGen allele CA62589798.